The following is an entry in ClinVar:

NM_003072.5(SMARCA4):c.140C>T (p.Pro47Leu)

Gene: SMARCA4 (SWI/SNF related BAF chromatin remodeling complex subunit ATPase 4; plus strand). Cytogenetic location: 19p13.2.
Variant type: single nucleotide variant.
Coding change: c.140C>T on transcript NM_003072.5 (MANE Select); coding-DNA position 140, C replaced by T.
Protein change: p.Pro47Leu; replaces proline 47 with leucine.
Molecular consequence: missense variant. On other transcripts: non-coding transcript variant (1).
Genome position (GRCh38, 1-based): chr19:10,984,291, C>T. VCF-style: chr19-10984291-C-T. GRCh37 (hg19) VCF-style: chr19-11094967-C-T.
Other names: c.140C>T, p.Pro47Leu (NM_001128844.3, NM_001128845.2, NM_001128846.2 and 4 more transcripts); short protein forms P47L.
Identifiers: ClinVar variation 819122 (VCV000819122.15), dbSNP rs1284152280, ClinGen allele CA404054441.
Genomic context (GRCh38, chr19:10,984,291, plus strand): 5'-TGCTGGGCCCTAGCCCGGGTCCCTCGCCGGGCTCCGCCCACAGCATGATGGGGCCCAGCC[C>T]AGGGCCGCCCTCAGCAGGACACCCCATCCCCACCCAGGGGCCTGGAGGGTACCCTCAGGA-3'
Protein context (NP_003063.2, residues 37-57): GSAHSMMGPS[Pro47Leu]GPPSAGHPIP

ClinVar aggregate classification (germline): Uncertain significance. Review status: criteria provided, multiple submitters, no conflicts (2 of 4 stars). 4 submissions from 4 submitters: Uncertain significance (4). Last evaluated 2026-04-26.

Conditions:
Intellectual disability, autosomal dominant 16 (CSS4). Also called: COFFIN-SIRIS SYNDROME 4. Identifiers: Orphanet 1465, MedGen C3553249, MONDO:0013821, OMIM 614609.
Rhabdoid tumor predisposition syndrome 2 (RTPS2). Identifiers: Orphanet 231108, Orphanet 69077, MedGen C2750074, MONDO:0013224, OMIM 613325.
Hereditary cancer-predisposing syndrome. Also called: Tumor predisposition; Hereditary neoplastic syndrome; Neoplastic Syndromes, Hereditary; Hereditary Cancer Syndrome. Identifiers: Orphanet 140162, MedGen C0027672, MeSH D009386, MONDO:0015356.

Allele frequency attached by ClinVar (database versions not stated): TOPMed below 0.00001; gnomAD 0.00001.
gnomAD v4.1: 1 of 1,608,740 alleles (0.000062%); highest among the groups gnomAD compares: Non-Finnish European, 0.000085%; no homozygotes.

Submissions (4):

GeneDx
Classification: Uncertain significance. Last evaluated: 2026-04-26. Review status: criteria provided, single submitter. Criteria: GeneDx Variant Classification Process June 2021. Collection method: clinical testing. Allele origin: germline.
Comment: Not observed at significant frequency in large population cohorts (gnomAD); In silico analysis supports that this missense variant has a deleterious effect on protein structure/function; Has not been previously published as pathogenic or benign to our knowledge

Labcorp Genetics (formerly Invitae), Labcorp
Classification: Uncertain significance for Rhabdoid tumor predisposition syndrome 2. Last evaluated: 2025-12-03. Review status: criteria provided, single submitter. Criteria: Invitae Variant Classification Sherloc (09022015). Collection method: clinical testing. Allele origin: germline.
Comment: This sequence change replaces proline, which is neutral and non-polar, with leucine, which is neutral and non-polar, at codon 47 of the SMARCA4 protein (p.Pro47Leu). This variant is not present in population databases (gnomAD no frequency). This variant has not been reported in the literature in individuals affected with SMARCA4-related conditions. ClinVar contains an entry for this variant (Variation ID: 819122). Invitae Evidence Modeling of protein sequence and biophysical properties (such as structural, functional, and spatial information, amino acid conservation, physicochemical variation, residue mobility, and thermodynamic stability) has been performed for this missense variant. However, the output from this modeling did not meet the statistical confidence thresholds required to predict the impact of this variant on SMARCA4 protein function. In summary, the available evidence is currently insufficient to determine the role of this variant in disease. Therefore, it has been classified as a Variant of Uncertain Significance.

Genome-Nilou Lab
Classification: Uncertain significance for Intellectual disability, autosomal dominant 16. Last evaluated: 2021-07-15. Review status: criteria provided, single submitter. Criteria: ACMG Guidelines, 2015. Collection method: clinical testing. Allele origin: germline. Affected: no.

Ambry Genetics
Classification: Uncertain significance for Hereditary cancer-predisposing syndrome. Last evaluated: 2018-10-30. Review status: criteria provided, single submitter. Criteria: Ambry Variant Classification Scheme 2023. Collection method: clinical testing. Allele origin: germline.
Comment: The p.P47L variant (also known as c.140C>T), located in coding exon 1 of the SMARCA4 gene, results from a C to T substitution at nucleotide position 140. The proline at codon 47 is replaced by leucine, an amino acid with similar properties. This amino acid position is highly conserved in available vertebrate species. In addition, the in silico prediction for this alteration is inconclusive. Since supporting evidence is limited at this time, the clinical significance of this alteration remains unclear.